The following is an entry in ClinVar:

ClinVar aggregate classification (germline): Uncertain significance (1 of 4 stars; one submission).

Submission:

GeneDx
Classification: Uncertain significance. Last evaluated: 2026-02-20. Review status: criteria provided, single submitter. Criteria: GeneDx Variant Classification Process June 2021. Collection method: clinical testing. Allele origin: germline.
Comment: Not observed at significant frequency in large population cohorts (gnomAD); In silico analysis suggests that this missense variant does not alter protein structure/function; Has not been previously published as pathogenic or benign to our knowledge

NM_033026.6(PCLO):c.6899C>T (p.Pro2300Leu)

Gene: PCLO (piccolo presynaptic cytomatrix protein; minus strand). Cytogenetic location: 7q21.11.
Variant type: single nucleotide variant.
Coding change: c.6899C>T on transcript NM_033026.6 (MANE Select); coding-DNA position 6899, C replaced by T.
Protein change: p.Pro2300Leu; replaces proline 2300 with leucine.
Molecular consequence: missense variant.
Genome position (GRCh38, 1-based): chr7:82,954,054, G>A on the plus strand (C>T on the coding strand, the complement: PCLO is on the minus strand). VCF-style: chr7-82954054-G-A. GRCh37 (hg19) VCF-style: chr7-82583370-G-A.
Other names: c.6899C>T, p.Pro2300Leu (NM_014510.3); short protein forms P2300L.
Identifiers: ClinVar variation 5009913 (VCV005009913.1).